The following is an entry in ClinVar:

ClinVar aggregate classification (germline): Uncertain significance (1 of 4 stars; one submission).

Conditions:
Hereditary cancer-predisposing syndrome. Also called: Neoplastic Syndromes, Hereditary; Hereditary Cancer Syndrome; Tumor predisposition; Hereditary neoplastic syndrome. Identifiers: Orphanet 140162, MedGen C0027672, MeSH D009386, MONDO:0015356.

Submission:

Ambry Genetics
Classification: Uncertain significance for Hereditary cancer-predisposing syndrome. Last evaluated: 2025-03-04. Review status: criteria provided, single submitter. Criteria: Ambry Variant Classification Scheme 2023. Collection method: clinical testing. Allele origin: germline.
Comment: The p.W865R variant (also known as c.2593T>A), located in coding exon 23 of the POLE gene, results from a T to A substitution at nucleotide position 2593. The tryptophan at codon 865 is replaced by arginine, an amino acid with dissimilar properties. This amino acid position is conserved. In addition, this alteration is predicted to be deleterious by in silico analysis. Based on the available evidence, the clinical significance of this variant remains unclear.

NM_006231.4(POLE):c.2593T>A (p.Trp865Arg)

Gene: POLE (DNA polymerase epsilon, catalytic subunit; minus strand). Cytogenetic location: 12q24.33.
Variant type: single nucleotide variant.
Coding change: c.2593T>A on transcript NM_006231.4 (MANE Select); coding-DNA position 2593, T replaced by A.
Protein change: p.Trp865Arg; replaces tryptophan 865 with arginine.
Molecular consequence: missense variant.
Genome position (GRCh38, 1-based): chr12:132,664,117, A>T on the plus strand (T>A on the coding strand, the complement: POLE is on the minus strand). VCF-style: chr12-132664117-A-T. GRCh37 (hg19) VCF-style: chr12-133240703-A-T.
Other names: short protein forms W865R.
Identifiers: ClinVar variation 3781605 (VCV003781605.1).